The following is an entry in ClinVar:

ClinVar aggregate classification (germline): Uncertain significance. Review status: criteria provided, multiple submitters, no conflicts (2 of 4 stars). 3 submissions from 3 submitters: Uncertain significance (3). Last evaluated 2025-03-13.

Conditions:
Inborn genetic diseases. Identifiers: MedGen C0950123, MeSH D030342.
Neuronal ceroid lipofuscinosis. Also called: Neuronal Ceroid Lipofuscinoses. Identifiers: Orphanet 216, Orphanet 79263, MedGen C0027877, MONDO:0016295. Disease mechanism: loss of function.

Allele frequency attached by ClinVar (database versions not stated): TOPMed 0.00016.
gnomAD v4.1: 33 of 1,525,966 alleles (0.0022%); highest among the groups gnomAD compares: African/African-American, 0.038%; no homozygotes.

Submissions (3):

GeneDx
Classification: Uncertain significance. Last evaluated: 2025-03-13. Review status: criteria provided, single submitter. Criteria: GeneDx Variant Classification Process June 2021. Collection method: clinical testing. Allele origin: germline. Affected: yes.
Comment: In silico analysis indicates that this missense variant does not alter protein structure/function; Has not been previously published as pathogenic or benign to our knowledge

Ambry Genetics
Classification: Uncertain significance for Inborn genetic diseases. Last evaluated: 2024-11-26. Review status: criteria provided, single submitter. Criteria: Ambry Variant Classification Scheme 2023. Collection method: clinical testing. Allele origin: germline.

Labcorp Genetics (formerly Invitae), Labcorp
Classification: Uncertain significance for Neuronal ceroid lipofuscinosis. Last evaluated: 2022-07-06. Review status: criteria provided, single submitter. Criteria: Invitae Variant Classification Sherloc (09022015). Collection method: clinical testing. Allele origin: germline.
Comment: This sequence change replaces alanine, which is neutral and non-polar, with proline, which is neutral and non-polar, at codon 18 of the CTSD protein (p.Ala18Pro). This variant is present in population databases (rs796052403, gnomAD 0.02%). This variant has not been reported in the literature in individuals affected with CTSD-related conditions. ClinVar contains an entry for this variant (Variation ID: 205354). Algorithms developed to predict the effect of missense changes on protein structure and function are either unavailable or do not agree on the potential impact of this missense change (SIFT: "Tolerated"; PolyPhen-2: "Not Available"; Align-GVGD: "Class C0"). In summary, the available evidence is currently insufficient to determine the role of this variant in disease. Therefore, it has been classified as a Variant of Uncertain Significance.

NM_001909.5(CTSD):c.52G>C (p.Ala18Pro)

Gene: CTSD (cathepsin D; minus strand). Cytogenetic location: 11p15.5.
Variant type: single nucleotide variant.
Coding change: c.52G>C on transcript NM_001909.5 (MANE Select); coding-DNA position 52, G replaced by C.
Protein change: p.Ala18Pro; replaces alanine 18 with proline.
Molecular consequence: missense variant.
Genome position (GRCh38, 1-based): chr11:1,763,808, C>G on the plus strand (G>C on the coding strand, the complement: CTSD is on the minus strand). VCF-style: chr11-1763808-C-G. GRCh37 (hg19) VCF-style: chr11-1785038-C-G.
Other names: p.A18P:GCC>CCC; short protein forms A18P.
Identifiers: ClinVar variation 205354 (VCV000205354.13), dbSNP rs796052403, ClinGen allele CA314350.